The following is an entry in ClinVar:

NC_000016.9:g.2149731_(2150568_2152061)del

Gene: PKD1 (polycystin 1, transient receptor potential channel interacting; minus strand).
Variant type: Deletion.
Identifiers: ClinVar variation 3895929 (VCV003895929.1).

ClinVar aggregate classification (germline): Likely pathogenic (1 of 4 stars; one submission).

Conditions:
Polycystic kidney disease, adult type (PKD1). Also called: POLYCYSTIC KIDNEY DISEASE 1 WITH OR WITHOUT POLYCYSTIC LIVER DISEASE; POLYCYSTIC KIDNEY DISEASE, ADULT, TYPE I; Polycystic Kidney Disease 1, Autosomal Dominant; Polycystic kidney disease 1; Polycystic kidney disease 1, severe; Polycystic Kidney, Autosomal Dominant. Identifiers: MedGen C3149841, MONDO:0008263, OMIM 173900.

Submission:

Women's Health and Genetics/Laboratory Corporation of America, LabCorp
Classification: Likely pathogenic for Polycystic kidney disease, adult type. Last evaluated: 2025-03-26. Review status: criteria provided, single submitter. Criteria: LabCorp Variant Classification Summary - May 2015. Collection method: clinical testing. Allele origin: germline.
Comment: Variant summary: The variant involves the deletion of exons 27 to 29 and a part of exon 30 in the PKD1 gene. A presumed nomenclature of c.(9397+1_9398-1)_9964del has been designated for the purposes of this classification. Since this Copy Number Variant (CNV) involves a partial deletion of 30, spanning a canonical splice-site, therefore predicted to result in loss-of-function. The variant was absent in 120602 control chromosomes in the gnomAD database (Structural Variants v4.1 dataset). To our knowledge, no occurrence of c.(9397+1_9398-1)_9964del in individuals affected with Polycystic Kidney Disease 1 and no experimental evidence demonstrating its impact on protein function have been reported. No submitters have cited clinical-significance assessments for this variant to ClinVar. Based on the evidence outlined above, the variant was classified as likely pathogenic.